The following is an entry in ClinVar:

ClinVar aggregate classification (germline): Uncertain significance (1 of 4 stars; one submission).

Conditions:
Bethlem myopathy 1A. Also called: Bethlem Muscular Dystrophy; MYOPATHY, BENIGN CONGENITAL, WITH CONTRACTURES; Bethlem myopathy 1. Identifiers: Orphanet 610, MedGen CN029274, MONDO:0024530, OMIM 158810.

gnomAD v4.1: 3 of 1,613,880 alleles (0.00019%); highest among the groups gnomAD compares: Non-Finnish European, 0.00017%; no homozygotes.

Submission:

Labcorp Genetics (formerly Invitae), Labcorp
Classification: Uncertain significance for Bethlem myopathy 1A. Last evaluated: 2021-02-24. Review status: criteria provided, single submitter. Criteria: Invitae Variant Classification Sherloc (09022015). Collection method: clinical testing. Allele origin: germline.
Comment: In summary, the available evidence is currently insufficient to determine the role of this variant in disease. Therefore, it has been classified as a Variant of Uncertain Significance. Algorithms developed to predict the effect of missense changes on protein structure and function are either unavailable or do not agree on the potential impact of this missense change (SIFT: "Tolerated"; PolyPhen-2: "Not Available"; Align-GVGD: "Class C0"). This variant has not been reported in the literature in individuals with COL6A3-related conditions. This variant is not present in population databases (ExAC no frequency). This sequence change replaces threonine with lysine at codon 2293 of the COL6A3 protein (p.Thr2293Lys). The threonine residue is moderately conserved and there is a moderate physicochemical difference between threonine and lysine.

NM_004369.4(COL6A3):c.6878C>A (p.Thr2293Lys)

Gene: COL6A3 (collagen type VI alpha 3 chain; minus strand). Cytogenetic location: 2q37.3.
Variant type: single nucleotide variant.
Coding change: c.6878C>A on transcript NM_004369.4 (MANE Select); coding-DNA position 6878, C replaced by A.
Protein change: p.Thr2293Lys; replaces threonine 2293 with lysine.
Molecular consequence: missense variant.
Genome position (GRCh38, 1-based): chr2:237,350,148, G>T on the plus strand (C>A on the coding strand, the complement: COL6A3 is on the minus strand). VCF-style: chr2-237350148-G-T. GRCh37 (hg19) VCF-style: chr2-238258791-G-T.
Other names: c.5057C>A, p.Thr1686Lys (NM_057166.5); c.6260C>A, p.Thr2087Lys (NM_057167.4); short protein forms T1686K, T2087K, T2293K.
Identifiers: ClinVar variation 1054202 (VCV001054202.9), dbSNP rs759657526, ClinGen allele CA351208906.